The following is an entry in ClinVar:

NM_000540.3(RYR1):c.13724A>C (p.Asn4575Thr)

Gene: RYR1 (ryanodine receptor 1; plus strand). Cytogenetic location: 19q13.2.
Variant type: single nucleotide variant.
Coding change: c.13724A>C on transcript NM_000540.3 (MANE Select); coding-DNA position 13724, A replaced by C.
Protein change: p.Asn4575Thr; replaces asparagine 4575 with threonine.
Molecular consequence: missense variant.
Genome position (GRCh38, 1-based): chr19:38,570,671, A>C. VCF-style: chr19-38570671-A-C. GRCh37 (hg19) VCF-style: chr19-39061311-A-C.
Other names: c.13709A>C, p.Asn4570Thr (NM_001042723.2); short protein forms N4575T, N4570T.
Identifiers: ClinVar variation 590436 (VCV000590436.11), dbSNP rs1568591803, ClinGen allele CA405678916.
Genomic context (GRCh38, chr19:38,570,671, plus strand): 5'-ACCTGTCCCGGAACTTTTACACCCTGCGGTTCCTTGCCCTCTTCTTGGCATTTGCCATCA[A>C]CTTCATCTTGCTGTTTTATAAGGTGCTGGTCCTGAAGGGCTGGGAGGGTCAGGCCCTTTT-3'
Protein context (NP_000531.2, residues 4565-4585): FLALFLAFAI[Asn4575Thr]FILLFYKVSD

ClinVar aggregate classification (germline): Pathogenic/Likely pathogenic. Review status: criteria provided, multiple submitters, no conflicts (2 of 4 stars). 2 submissions from 2 submitters: Pathogenic (1); Likely pathogenic (1). Last evaluated 2026-02-20.

Conditions:
RYR1-related disorder. Also called: RYR1-related disorders; RYR1-related condition. Identifiers: MedGen CN239331.
Central core myopathy (CMYO1A). Also called: Central core disease; Myopathy, central fibrillar; CONGENITAL MYOPATHY 1A, AUTOSOMAL DOMINANT, WITH SUSCEPTIBILITY TO MALIGNANT HYPERTHERMIA. Identifiers: Orphanet 597, MedGen C5830701, MONDO:0007294, OMIM 117000.

Submissions (2):

PreventionGenetics, part of Exact Sciences
Classification: Pathogenic for Central core myopathy. Last evaluated: 2026-02-20. Review status: criteria provided, single submitter. Criteria: ACMG Guidelines, 2015. Collection method: clinical testing. Allele origin: germline.
Comment: This variant has been reported in at least two individuals with autosomal dominant RYR1-related central core disease (CCD; Suman et al. 2018. PubMed ID: 29701772; Table S1, Todd et al. 2018. PubMed ID: 30155738; Fusto et al. 2022. PubMed ID: 35428369). This variant has also been observed to co-segregate with disease in a family with CCD tested at PreventionGenetics (Internal Data). In vitro studies of heterozygous patient myoblasts demonstrated that this variant leads to reduced RyR1 protein expression, disrupted transmembrane Ca2+ transport, and increased oxidative stress (Suman et al. 2018. PubMed ID: 29701772). This variant has not been reported in a large population database (gnomAD), indicating this variant is rare. This variant is located within a C-terminal domain of RYR1 (p.4136–4973) described as a mutational hotspot for AD missense variants associated with CCD and malignant hyperthermia (Witherspoon and Meilleur 2016. PubMed ID: 27855725; Fusto et al. 2022. PubMed ID: 35428369; Chang et al. 2022. PubMed ID: 35693006). Taken together, the p.Asn4575Thr is interpreted as pathogenic.

Labcorp Genetics (formerly Invitae), Labcorp
Classification: Likely pathogenic for RYR1-related disorder. Last evaluated: 2018-10-14. Review status: criteria provided, single submitter. Criteria: Invitae Variant Classification Sherloc (09022015). Collection method: clinical testing. Allele origin: germline.
Comment: In summary, the currently available evidence indicates that the variant is pathogenic, but additional data are needed to prove that conclusively. Therefore, this variant has been classified as Likely Pathogenic. This missense change is located in a region of the RYR1 protein where a significant number of previously reported RYR1 missense mutations are found (PMID: 16084090). These observations suggest that a previously unreported missense substitution within this region may affect protein function, but experiments have not been done to test this possibility. Experimental studies have shown that this missense change impairs the function of the RYR1 protein (PMID: 29701772). This variant has been observed in an individual affected with central core disease (PMID: 29701772). This variant is not present in population databases (ExAC no frequency). This sequence change replaces asparagine with threonine at codon 4575 of the RYR1 protein (p.Asn4575Thr). The asparagine residue is moderately conserved and there is a small physicochemical difference between asparagine and threonine.

Literature cited by the submitters: PubMed 16084090 (cited by Labcorp Genetics (formerly Invitae), Labcorp); PubMed 29701772 (cited by Labcorp Genetics (formerly Invitae), Labcorp).